The following is an entry in ClinVar:

ClinVar aggregate classification (germline): Uncertain significance (1 of 4 stars; one submission).

Conditions:
Hereditary cancer-predisposing syndrome. Also called: Neoplastic Syndromes, Hereditary; Tumor predisposition; Hereditary neoplastic syndrome; Hereditary Cancer Syndrome. Identifiers: Orphanet 140162, MedGen C0027672, MeSH D009386, MONDO:0015356.

Submission:

Ambry Genetics
Classification: Uncertain significance for Hereditary cancer-predisposing syndrome. Last evaluated: 2023-03-09. Review status: criteria provided, single submitter. Criteria: Ambry Variant Classification Scheme 2023. Collection method: clinical testing. Allele origin: germline.
Comment: The p.I736M variant (also known as c.2208A>G), located in coding exon 15 of the MSH3 gene, results from an A to G substitution at nucleotide position 2208. The isoleucine at codon 736 is replaced by methionine, an amino acid with highly similar properties. This amino acid position is conserved. In addition, this alteration is predicted to be tolerated by in silico analysis. Since supporting evidence is limited at this time, the clinical significance of this alteration remains unclear.

NM_002439.5(MSH3):c.2208A>G (p.Ile736Met)

Gene: MSH3 (mutS homolog 3; plus strand). Cytogenetic location: 5q14.1.
Variant type: single nucleotide variant.
Coding change: c.2208A>G on transcript NM_002439.5 (MANE Select); coding-DNA position 2208, A replaced by G.
Protein change: p.Ile736Met; replaces isoleucine 736 with methionine.
Molecular consequence: missense variant.
Genome position (GRCh38, 1-based): chr5:80,768,958, A>G. VCF-style: chr5-80768958-A-G. GRCh37 (hg19) VCF-style: chr5-80064777-A-G.
Other names: short protein forms I736M.
Identifiers: ClinVar variation 2451091 (VCV002451091.2), dbSNP rs2112885248, ClinGen allele CA360279645.